The following is an entry in ClinVar:

NM_001111125.3(IQSEC2):c.4335T>C (p.Pro1445=)

Gene: IQSEC2 (IQ motif and Sec7 domain ArfGEF 2; minus strand). Cytogenetic location: Xp11.22.
Variant type: single nucleotide variant.
Coding change: c.4335T>C on transcript NM_001111125.3 (MANE Select); coding-DNA position 4335, T replaced by C.
Protein change: p.Pro1445=; no amino-acid change (proline 1445 retained).
Molecular consequence: synonymous variant. On other transcripts: 3 prime UTR variant (1).
Genome position (GRCh38, 1-based): chrX:53,234,351, A>G on the plus strand (T>C on the coding strand, the complement: IQSEC2 is on the minus strand). VCF-style: chrX-53234351-A-G. GRCh37 (hg19) VCF-style: chrX-53263533-A-G.
Other names: c.*820T>C (NM_015075.2).
Identifiers: ClinVar variation 712267 (VCV000712267.15), dbSNP rs1602256403, ClinGen allele CA516673139.
Genomic context (GRCh38, chrX:53,234,351, plus strand): 5'-CCCAGAGGCGTGCAGCGGGCCATGGGGGGAGGTGGGTGGAAGGGGTGAGTGCGGGGTGTG[A>G]GGGGAGGGTGGGGGGAGGGGTGGATAGGAGGGGTGGGGTGGGATGGGTGAGTGTGGTGAC-3'
Protein context (NP_001104595.1, residues 1435-1455): PSYPPLPPPS[Pro1445=]HTPHSPLPPT

ClinVar aggregate classification (germline): Likely benign. Review status: criteria provided, multiple submitters, no conflicts (2 of 4 stars). 2 submissions from 2 submitters: Likely benign (2). Last evaluated 2025-11-01.

Conditions:
Intellectual developmental disorder, X-linked 1. Also called: Atkin Flaitz Patil Smith syndrome; MENTAL RETARDATION, X-LINKED 18; MENTAL RETARDATION, X-LINKED 78; Intellectual disability, X-linked 1. Identifiers: Orphanet 777, MedGen C2931498, MONDO:0010656, OMIM 309530.

Submissions (2):

CeGaT Center for Human Genetics Tuebingen
Classification: Likely benign. Last evaluated: 2025-11-01. Review status: criteria provided, single submitter. Criteria: CeGaT Center For Human Genetics Tuebingen Variant Classification Criteria Version 2. Collection method: clinical testing. Allele origin: germline. Affected: yes. Observed: 1 variant allele.
Comment: IQSEC2: PM2:Supporting, BP4, BP7

Labcorp Genetics (formerly Invitae), Labcorp
Classification: Likely benign for Intellectual developmental disorder, X-linked 1. Last evaluated: 2018-03-09. Review status: criteria provided, single submitter. Criteria: Invitae Variant Classification Sherloc (09022015). Collection method: clinical testing. Allele origin: germline.